The following is an entry in ClinVar:

ClinVar aggregate classification (germline): Benign. Review status: criteria provided, multiple submitters, no conflicts (2 of 4 stars). 3 submissions from 3 submitters: Benign (3). Last evaluated 2023-11-14.

Allele frequency attached by ClinVar (database versions not stated): gnomAD exomes 0.26589; gnomAD 0.33889 and 0.34018; TOPMed 0.34207; 1000 Genomes Project 0.39437.

Submissions (3):

Unidad de Genómica Garrahan, Hospital de Pediatría Garrahan
Classification: Benign. Last evaluated: 2023-11-14. Review status: criteria provided, single submitter. Criteria: ACMG Guidelines, 2015. Collection method: clinical testing. Allele origin: germline. Affected: no. Observed: 58 variant alleles.
Comment: This variant is classified as Benign based on local population frequency. This variant was detected in 60% of patients studied by a panel of primary immunodeficiencies. Number of patients: 58. Only high quality variants are reported.

GeneDx
Classification: Benign. Last evaluated: 2018-06-26. Review status: criteria provided, single submitter. Criteria: GeneDx Variant Classification Process June 2021. Collection method: clinical testing. Allele origin: germline. Affected: yes.

Breakthrough Genomics
Classification: Benign. Review status: criteria provided, single submitter. Criteria: ACMG Guidelines, 2015. Collection method: not provided. Allele origin: germline. Inheritance: Autosomal recessive inheritance. Affected: yes.

NM_203447.4(DOCK8):c.3840+65T>C

Gene: DOCK8 (dedicator of cytokinesis 8; plus strand). Cytogenetic location: 9p24.3.
Variant type: single nucleotide variant.
Coding change: c.3840+65T>C on transcript NM_203447.4 (MANE Select); 65 bases into the intron after coding-DNA position 3840, T replaced by C.
Molecular consequence: intron variant.
Genome position (GRCh38, 1-based): chr9:418,272, T>C. VCF-style: chr9-418272-T-C. GRCh37 (hg19) VCF-style: chr9-418272-T-C.
Other names: c.3636+65T>C (NM_001193536.2); c.3540+65T>C (NM_001190458.2).
Identifiers: ClinVar variation 1270126 (VCV001270126.4), dbSNP rs7031432, ClinGen allele CA13041952.
Genomic context (GRCh38, chr9:418,272, plus strand): 5'-GTTGGTGCACATGTGTCTGGTTGATTTTTCATTTCATGTCTTCTGTCTTCTGTTTTGTTT[T>C]GTTTGTTTGTTTGTTTTGAGACAGAGTCTCACTCTGTTGCACAGGCTGGAGTGCAGTGGC-3'